The following is an entry in ClinVar:

ClinVar aggregate classification (germline): Uncertain significance. Review status: criteria provided, multiple submitters, no conflicts (2 of 4 stars). 2 submissions from 2 submitters: Uncertain significance (2). Last evaluated 2025-11-12.

gnomAD v4.1: 9 of 1,611,454 alleles (0.00056%); highest among the groups gnomAD compares: African/African-American, 0.011%; no homozygotes.

Submissions (2):

Ambry Genetics
Classification: Uncertain significance. Last evaluated: 2025-11-12. Review status: criteria provided, single submitter. Criteria: Ambry Variant Classification Scheme 2023. Collection method: clinical testing. Allele origin: germline.

Labcorp Genetics (formerly Invitae), Labcorp
Classification: Uncertain significance. Last evaluated: 2025-06-13. Review status: criteria provided, single submitter. Criteria: Invitae Variant Classification Sherloc (09022015). Collection method: clinical testing. Allele origin: germline.
Comment: This sequence change replaces proline, which is neutral and non-polar, with arginine, which is basic and polar, at codon 39 of the SLCO5A1 protein (p.Pro39Arg). This variant is present in population databases (rs771397102, gnomAD 0.02%). This variant has not been reported in the literature in individuals affected with SLCO5A1-related conditions. An algorithm developed to predict the effect of missense changes on protein structure and function (PolyPhen-2) suggests that this variant is likely to be tolerated. In summary, the available evidence is currently insufficient to determine the role of this variant in disease. Therefore, it has been classified as a Variant of Uncertain Significance.

NM_030958.3(SLCO5A1):c.116C>G (p.Pro39Arg)

Gene: SLCO5A1 (solute carrier organic anion transporter family member 5A1; minus strand). Cytogenetic location: 8q13.3.
Variant type: single nucleotide variant.
Coding change: c.116C>G on transcript NM_030958.3 (MANE Select); coding-DNA position 116, C replaced by G.
Protein change: p.Pro39Arg; replaces proline 39 with arginine.
Molecular consequence: missense variant.
Genome position (GRCh38, 1-based): chr8:69,832,558, G>C on the plus strand (C>G on the coding strand, the complement: SLCO5A1 is on the minus strand). VCF-style: chr8-69832558-G-C. GRCh37 (hg19) VCF-style: chr8-70744793-G-C.
Other names: c.116C>G, p.Pro39Arg (NM_001146008.2, NM_001146009.1); short protein forms P39R.
Identifiers: ClinVar variation 4586540 (VCV004586540.2).